The following is an entry in ClinVar:

ClinVar aggregate classification (germline): Uncertain significance (1 of 4 stars; one submission).

Conditions:
Cardiovascular phenotype. Identifiers: MedGen CN230736.

Allele frequency attached by ClinVar (database versions not stated): gnomAD exomes 0.00001; TOPMed 0.00001.
gnomAD v4.1: 15 of 1,544,508 alleles (0.00097%); highest among the groups gnomAD compares: Non-Finnish European, 0.0013%; no homozygotes.

Submission:

Ambry Genetics
Classification: Uncertain significance for Cardiovascular phenotype. Last evaluated: 2024-02-06. Review status: criteria provided, single submitter. Criteria: Ambry Variant Classification Scheme 2023. Collection method: clinical testing. Allele origin: germline.
Comment: The p.G914E variant (also known as c.2741G>A), located in coding exon 1 of the ZNF469 gene, results from a G to A substitution at nucleotide position 2741. The glycine at codon 914 is replaced by glutamic acid, an amino acid with similar properties. This amino acid position is conserved. In addition, this alteration is predicted to be tolerated by in silico analysis. Since supporting evidence is limited at this time, the clinical significance of this alteration remains unclear.

NM_001367624.2(ZNF469):c.2741G>A (p.Gly914Glu)

Gene: ZNF469 (zinc finger protein 469; plus strand). Cytogenetic location: 16q24.2.
Variant type: single nucleotide variant.
Coding change: c.2741G>A on transcript NM_001367624.2 (MANE Select); coding-DNA position 2741, G replaced by A.
Protein change: p.Gly914Glu; replaces glycine 914 with glutamic acid.
Molecular consequence: missense variant.
Genome position (GRCh38, 1-based): chr16:88,430,211, G>A. VCF-style: chr16-88430211-G-A. GRCh37 (hg19) VCF-style: chr16-88496619-G-A.
Other names: NM_001127464.1:c.2741G>A; short protein forms G914E.
Identifiers: ClinVar variation 1795441 (VCV001795441.2), dbSNP rs1017812959, ClinGen allele CA286374022.
Genomic context (GRCh38, chr16:88,430,211, plus strand): 5'-AGAGCAAAGCTCCGCCCCCGCTCCCAGCAGCCACGCCGGACCCCCAAACCCCCCGCCCTG[G>A]GGACAGGGGCTGCCCAGCCCGAGGCAGGCCCAAAACGCGTTCCCTGGGTCTGGCCCCCAC-3'
Protein context (NP_001354553.1, residues 904-924): ATPDPQTPRP[Gly914Glu]DRGCPARGRP